The following is an entry in ClinVar:

NC_000002.11:g.(?_131096693)_(131099698_?)del

Gene: CCDC115 (coiled-coil domain containing 115; minus strand). Cytogenetic location: 2q21.1.
Variant type: Deletion.
Identifiers: ClinVar variation 1460303 (VCV001460303.4).

ClinVar aggregate classification (germline): Pathogenic (1 of 4 stars; one submission).

Submission:

Labcorp Genetics (formerly Invitae), Labcorp
Classification: Pathogenic. Last evaluated: 2021-11-04. Review status: criteria provided, single submitter. Criteria: Invitae Variant Classification Sherloc (09022015). Collection method: clinical testing. Allele origin: germline.
Comment: A gross deletion of the genomic region encompassing the full coding sequence of the CCDC115 gene has been identified. Loss-of-function variants in CCDC115 are known to be pathogenic (PMID: 26833332, 29759592). The boundaries of this event are unknown as they extend beyond the assayed region for this gene and therefore may encompass additional genes. A similar copy number variant has been observed in individual(s) with disorder of glycosylation (PMID: 26833332). For these reasons, this variant has been classified as Pathogenic.

Literature cited by the submitters: PubMed 26833332; PubMed 29759592.